The following is an entry in ClinVar:

NM_000051.4(ATM):c.5217C>T (p.Asn1739=)

Gene: ATM (ATM serine/threonine kinase; plus strand). Cytogenetic location: 11q22.3.
Variant type: single nucleotide variant.
Coding change: c.5217C>T on transcript NM_000051.4 (MANE Select); coding-DNA position 5217, C replaced by T.
Protein change: p.Asn1739=; no amino-acid change (asparagine 1739 retained).
Molecular consequence: synonymous variant.
Genome position (GRCh38, 1-based): chr11:108,301,687, C>T. VCF-style: chr11-108301687-C-T. GRCh37 (hg19) VCF-style: chr11-108172414-C-T.
Other names: c.5217C>T, p.Asn1739= (NM_001351834.2); c.5217C>T (NM_000051.2).
Identifiers: ClinVar variation 229924 (VCV000229924.19), dbSNP rs876658271, ClinGen allele CA10579173.

ClinVar aggregate classification (germline): Benign/Likely benign. Review status: criteria provided, multiple submitters, no conflicts (2 of 4 stars). 5 submissions from 5 submitters: Benign (1); Likely benign (4). Last evaluated 2025-11-22.

Conditions:
Hereditary cancer-predisposing syndrome. Also called: Hereditary Cancer Syndrome; Neoplastic Syndromes, Hereditary; Tumor predisposition; Hereditary neoplastic syndrome. Identifiers: Orphanet 140162, MedGen C0027672, MeSH D009386, MONDO:0015356.
Familial cancer of breast. Also called: Hereditary breast cancer; hereditary breast carcinoma; BREAST CANCER, FAMILIAL. Identifiers: Orphanet 227535, MedGen C0346153, MONDO:0016419, OMIM 114480. Disease mechanism: loss of function.
Ataxia-telangiectasia syndrome (AT). Also called: Ataxia telangiectasia (A-T); Ataxia-telangiectasia, complementation group E; LOUIS-BAR SYNDROME; Cerebello-oculocutaneous telangiectasia; Immunodeficiency with ataxia telangiectasia; Ataxia-telangiectasia, complementation group D. Identifiers: Orphanet 100, MedGen C0004135, MONDO:0008840, OMIM 208900.

Allele frequency attached by ClinVar (database versions not stated): gnomAD exomes below 0.00001 and 0.00001; gnomAD 0.00001.
gnomAD v4.1: 6 of 1,613,560 alleles (0.00037%); highest among the groups gnomAD compares: South Asian, 0.0055%; no homozygotes.

Submissions (5):

Labcorp Genetics (formerly Invitae), Labcorp
Classification: Likely benign for Ataxia-telangiectasia syndrome. Last evaluated: 2025-11-22. Review status: criteria provided, single submitter. Criteria: Invitae Variant Classification Sherloc (09022015). Collection method: clinical testing. Allele origin: germline.

Myriad Genetics, Inc.
Classification: Benign for Familial cancer of breast. Last evaluated: 2024-05-22. Review status: criteria provided, single submitter. Criteria: Myriad Autosomal Dominant, Autosomal Recessive and X-Linked Classification Criteria (2023). Collection method: clinical testing. Allele origin: unknown.
Comment: This variant is considered benign. This variant is a silent/synonymous amino acid change and it is not expected to impact splicing.

Color Diagnostics, LLC DBA Color Health
Classification: Likely benign for Hereditary cancer-predisposing syndrome. Last evaluated: 2023-11-20. Review status: criteria provided, single submitter. Criteria: ACMG Guidelines, 2015. Collection method: clinical testing. Allele origin: germline.

Department of Pathology and Laboratory Medicine, Sinai Health System
Classification: Likely benign for Familial cancer of breast. Last evaluated: 2022-08-23. Review status: criteria provided, single submitter. Criteria: ACMG Guidelines, 2015. Collection method: clinical testing. Allele origin: germline. Affected: yes.

Ambry Genetics
Classification: Likely benign for Hereditary cancer-predisposing syndrome. Last evaluated: 2015-01-07. Review status: criteria provided, single submitter. Criteria: Ambry Variant Classification Scheme 2023. Collection method: clinical testing. Allele origin: germline.